The following is an entry in ClinVar:

NM_003924.4(PHOX2B):c.491C>G (p.Ala164Gly)

Gene: PHOX2B (paired like homeobox 2B; minus strand). Cytogenetic location: 4p13.
Variant type: single nucleotide variant.
Coding change: c.491C>G on transcript NM_003924.4 (MANE Select); coding-DNA position 491, C replaced by G.
Protein change: p.Ala164Gly; replaces alanine 164 with glycine.
Molecular consequence: missense variant.
Genome position (GRCh38, 1-based): chr4:41,746,261, G>C on the plus strand (C>G on the coding strand, the complement: PHOX2B is on the minus strand). VCF-style: chr4-41746261-G-C. GRCh37 (hg19) VCF-style: chr4-41748278-G-C.
Other names: short protein forms A164G.
Identifiers: ClinVar variation 1744101 (VCV001744101.2), dbSNP rs1261916107, ClinGen allele CA356738557.
Genomic context (GRCh38, chr4:41,746,261, plus strand): 5'-CTCTCGTCGTCCCTGGAAGAGTCAGACTTTTTGCCCGAGGAGCCGTTCTTGGCCGCGGCC[G>C]CTGCGGCTGCCGCTGCGCGCTCCTGCTTGCGAAACTTGGCGCGGCGGTTCTGGAACCACA-3'
Protein context (NP_003915.2, residues 154-174): RKQERAAAAA[Ala164Gly]AAAKNGSSGK

ClinVar aggregate classification (germline): Uncertain significance (1 of 4 stars; one submission).

Conditions:
Hereditary cancer-predisposing syndrome. Also called: Hereditary Cancer Syndrome; Neoplastic Syndromes, Hereditary; Tumor predisposition; Hereditary neoplastic syndrome. Identifiers: Orphanet 140162, MedGen C0027672, MeSH D009386, MONDO:0015356.

Submission:

Ambry Genetics
Classification: Uncertain significance for Hereditary cancer-predisposing syndrome. Last evaluated: 2020-09-24. Review status: criteria provided, single submitter. Criteria: Ambry Variant Classification Scheme 2023. Collection method: clinical testing. Allele origin: germline.
Comment: The p.A164G variant (also known as c.491C>G), located in coding exon 3 of the PHOX2B gene, results from a C to G substitution at nucleotide position 491. The alanine at codon 164 is replaced by glycine, an amino acid with similar properties. This amino acid position is highly conserved in available vertebrate species. In addition, this alteration is predicted to be tolerated by in silico analysis. Since supporting evidence is limited at this time, the clinical significance of this alteration remains unclear.